The following is an entry in ClinVar:

ClinVar aggregate classification (germline): Uncertain significance. Review status: criteria provided, multiple submitters, no conflicts (2 of 4 stars). 2 submissions from 2 submitters: Uncertain significance (2). Last evaluated 2021-08-10.

Conditions:
Alagille syndrome due to a JAG1 point mutation. Also called: Alagille Syndrome 1; HEPATIC DUCTULAR HYPOPLASIA, SYNDROMATIC; JAG1-Related Alagille Syndrome. Identifiers: Orphanet 261619, Orphanet 52, MedGen C1956125, MONDO:0016862, OMIM 118450.
Cardiovascular phenotype. Identifiers: MedGen CN230736.

Allele frequency attached by ClinVar (database versions not stated): TOPMed 0.00001.

Submissions (2):

Ambry Genetics
Classification: Uncertain significance for Cardiovascular phenotype. Last evaluated: 2021-08-10. Review status: criteria provided, single submitter. Criteria: Ambry Variant Classification Scheme 2023. Collection method: clinical testing. Allele origin: germline.
Comment: The p.R937W variant (also known as c.2809C>T), located in coding exon 23 of the JAG1 gene, results from a C to T substitution at nucleotide position 2809. The arginine at codon 937 is replaced by tryptophan, an amino acid with dissimilar properties. This amino acid position is conserved. In addition, this alteration is predicted to be tolerated by in silico analysis. Since supporting evidence is limited at this time, the clinical significance of this alteration remains unclear.

Labcorp Genetics (formerly Invitae), Labcorp
Classification: Uncertain significance for Alagille syndrome due to a JAG1 point mutation. Last evaluated: 2021-06-20. Review status: criteria provided, single submitter. Criteria: Invitae Variant Classification Sherloc (09022015). Collection method: clinical testing. Allele origin: germline.
Comment: This sequence change replaces arginine with tryptophan at codon 937 of the JAG1 protein (p.Arg937Trp). The arginine residue is moderately conserved and there is a moderate physicochemical difference between arginine and tryptophan. This variant is not present in population databases (ExAC no frequency). This variant has not been reported in the literature in individuals with JAG1-related conditions. Advanced modeling of protein sequence and biophysical properties (such as structural, functional, and spatial information, amino acid conservation, physicochemical variation, residue mobility, and thermodynamic stability) performed at Invitae indicates that this missense variant is not expected to disrupt JAG1 protein function. In summary, the available evidence is currently insufficient to determine the role of this variant in disease. Therefore, it has been classified as a Variant of Uncertain Significance.

NM_000214.3(JAG1):c.2809C>T (p.Arg937Trp)

Gene: JAG1 (jagged canonical Notch ligand 1; minus strand). Cytogenetic location: 20p12.2.
Variant type: single nucleotide variant.
Coding change: c.2809C>T on transcript NM_000214.3 (MANE Select); coding-DNA position 2809, C replaced by T.
Protein change: p.Arg937Trp; replaces arginine 937 with tryptophan.
Molecular consequence: missense variant.
Genome position (GRCh38, 1-based): chr20:10,641,567, G>A on the plus strand (C>T on the coding strand, the complement: JAG1 is on the minus strand). VCF-style: chr20-10641567-G-A. GRCh37 (hg19) VCF-style: chr20-10622215-G-A.
Other names: short protein forms R937W.
Identifiers: ClinVar variation 1362695 (VCV001362695.10), dbSNP rs779410593, ClinGen allele CA408244924.